The following is an entry in ClinVar:

ClinVar aggregate classification (germline): Uncertain significance (1 of 4 stars; one submission).

Conditions:
Hyperkalemic periodic paralysis. Also called: Familial hyperkalemic periodic paralysis; Gamstorp disease. Identifiers: Orphanet 682, MedGen C0238357, MONDO:0008224, OMIM 170500, HP:0007215.

Allele frequency attached by ClinVar (database versions not stated): TOPMed below 0.00001.

Submission:

Labcorp Genetics (formerly Invitae), Labcorp
Classification: Uncertain significance for Hyperkalemic periodic paralysis. Last evaluated: 2024-10-16. Review status: criteria provided, single submitter. Criteria: Invitae Variant Classification Sherloc (09022015). Collection method: clinical testing. Allele origin: germline.
Comment: This sequence change replaces glycine, which is neutral and non-polar, with valine, which is neutral and non-polar, at codon 871 of the SCN4A protein (p.Gly871Val). This variant is not present in population databases (gnomAD no frequency). This variant has not been reported in the literature in individuals affected with SCN4A-related conditions. ClinVar contains an entry for this variant (Variation ID: 1965507). Invitae Evidence Modeling of protein sequence and biophysical properties (such as structural, functional, and spatial information, amino acid conservation, physicochemical variation, residue mobility, and thermodynamic stability) indicates that this missense variant is not expected to disrupt SCN4A protein function with a negative predictive value of 95%. In summary, the available evidence is currently insufficient to determine the role of this variant in disease. Therefore, it has been classified as a Variant of Uncertain Significance.

NM_000334.4(SCN4A):c.2612G>T (p.Gly871Val)

Genes: GH-LCR (growth hormone locus control region; plus strand), SCN4A (sodium voltage-gated channel alpha subunit 4; minus strand). Cytogenetic location: 17q23.3.
Variant type: single nucleotide variant.
Coding change: c.2612G>T on transcript NM_000334.4 (MANE Select); coding-DNA position 2612, G replaced by T.
Protein change: p.Gly871Val; replaces glycine 871 with valine.
Molecular consequence: missense variant.
Genome position (GRCh38, 1-based): chr17:63,951,665, C>A on the plus strand (G>T on the coding strand, the complement: SCN4A is on the minus strand). VCF-style: chr17-63951665-C-A. GRCh37 (hg19) VCF-style: chr17-62029025-C-A.
Other names: short protein forms G871V.
Identifiers: ClinVar variation 1965507 (VCV001965507.5), dbSNP rs1908916464, ClinGen allele CA400626394.